The following is an entry in ClinVar:

NM_002519.3(NPAT):c.2261C>G (p.Thr754Ser)

Gene: NPAT (nuclear protein, coactivator of histone transcription; minus strand). Cytogenetic location: 11q22.3.
Variant type: single nucleotide variant.
Coding change: c.2261C>G on transcript NM_002519.3 (MANE Select); coding-DNA position 2261, C replaced by G.
Protein change: p.Thr754Ser; replaces threonine 754 with serine.
Molecular consequence: missense variant.
Genome position (GRCh38, 1-based): chr11:108,172,723, G>C on the plus strand (C>G on the coding strand, the complement: NPAT is on the minus strand). VCF-style: chr11-108172723-G-C. GRCh37 (hg19) VCF-style: chr11-108043450-G-C.
Other names: c.2261C>G, p.Thr754Ser (NM_001321307.1); short protein forms T754S.
Identifiers: ClinVar variation 1788639 (VCV001788639.2), dbSNP rs750840571, ClinGen allele CA382513348.

ClinVar aggregate classification (germline): Uncertain significance (1 of 4 stars; one submission).

Submission:

Ambry Genetics
Classification: Uncertain significance. Last evaluated: 2021-11-16. Review status: criteria provided, single submitter. Criteria: Ambry Variant Classification Scheme 2023. Collection method: clinical testing. Allele origin: germline.
Comment: The p.T754S variant (also known as c.2261C>G), located in coding exon 13 of the NPAT gene, results from a C to G substitution at nucleotide position 2261. The threonine at codon 754 is replaced by serine, an amino acid with similar properties. This amino acid position is conserved. In addition, this alteration is predicted to be tolerated by in silico analysis. Since supporting evidence is limited at this time, the clinical significance of this alteration remains unclear.